The following is an entry in ClinVar:

ClinVar aggregate classification (germline): Pathogenic. Review status: criteria provided, multiple submitters, no conflicts (2 of 4 stars). 2 submissions from 2 submitters: Pathogenic (2). Last evaluated 2024-05-20.

Conditions:
Retinoblastoma (RB1). Also called: RETINOBLASTOMA, SOMATIC. Identifiers: Orphanet 790, MedGen C0035335, MeSH D012175, MONDO:0008380, OMIM 180200, HP:0009919. Disease mechanism: loss of function. Inheritance: Both sporadic and heritable forms are tested..

Submissions (2):

Genetic Diagnostic Laboratory, University of Pennsylvania School of Medicine
Classification: Pathogenic for Retinoblastoma. Last evaluated: 2024-05-20. Review status: criteria provided, single submitter. Criteria: ACMG Guidelines, 2015. Collection method: clinical testing. Allele origin: germline. Affected: yes. Observed: 4 variant alleles.
Comment: Case and Pedigree Information: BILATERAL CASES:2, UNILATERAL CASES:2, TOTAL CASES:4, PEDIGREES:2 (one pedigree contains both unilateral and bilateral cases). ACMG Codes Applied:PVS1, PM2, PS4SUP

Labcorp Genetics (formerly Invitae), Labcorp
Classification: Pathogenic for Retinoblastoma. Last evaluated: 2020-05-30. Review status: criteria provided, single submitter. Criteria: Invitae Variant Classification Sherloc (09022015). Collection method: clinical testing. Allele origin: germline.
Comment: Donor and acceptor splice site variants typically lead to a loss of protein function (PMID: 16199547), and loss-of-function variants in RB1 are known to be pathogenic (PMID: 17096365). Algorithms developed to predict the effect of sequence changes on RNA splicing suggest that this variant may disrupt the consensus splice site, but this prediction has not been confirmed by published transcriptional studies. For these reasons, this variant has been classified as Pathogenic. This sequence change affects an acceptor splice site in intron 15 of the RB1 gene. It is expected to disrupt RNA splicing and likely results in an absent or disrupted protein product. This variant is not present in population databases (ExAC no frequency). This variant has been observed in individual(s) with retinoblastoma (PMID: 26925970, 17096365, 14722923). It has also been observed to segregate with disease in related individuals. This variant is also been reported as g.76999A>G and IVS15-2A>G in the literature.

Literature cited by the submitters: PubMed 16199547 (cited by Labcorp Genetics (formerly Invitae), Labcorp); PubMed 17096365 (cited by Labcorp Genetics (formerly Invitae), Labcorp); PubMed 26925970 (cited by Labcorp Genetics (formerly Invitae), Labcorp); PubMed 14722923 (cited by Labcorp Genetics (formerly Invitae), Labcorp).

NM_000321.3(RB1):c.1422-2A>G

Gene: RB1 (RB transcriptional corepressor 1; plus strand). Cytogenetic location: 13q14.2.
Variant type: single nucleotide variant.
Coding change: c.1422-2A>G on transcript NM_000321.3 (MANE Select); the canonical splice acceptor site of the intron before coding-DNA position 1422, A replaced by G.
Molecular consequence: splice acceptor variant.
Genome position (GRCh38, 1-based): chr13:48,380,163, A>G. VCF-style: chr13-48380163-A-G. GRCh37 (hg19) VCF-style: chr13-48954299-A-G.
Other names: c.1422-2A>G (NM_001407165.1, NM_001407166.1).
Identifiers: ClinVar variation 1071426 (VCV001071426.10), dbSNP rs1395304450, ClinGen allele CA388162750.
Genomic context (GRCh38, chr13:48,380,163, plus strand): 5'-GTAAAAAATTTTTTTCTTTTTATAGAAGTAAGTATTTTATAATCTTTTTTTTTTTCCTTT[A>G]GCAAACTTCTGAATGACAACATTTTTCATATGTCTTTATTGGCGTGCGCTCTTGAGGTTG-3'